The following is an entry in ClinVar:

ClinVar aggregate classification (germline): Uncertain significance (1 of 4 stars; one submission).

Submission:

CeGaT Center for Human Genetics Tuebingen
Classification: Uncertain significance. Last evaluated: 2026-08-01. Review status: criteria provided, single submitter. Criteria: CeGaT Center For Human Genetics Tuebingen Variant Classification Criteria Version 2. Collection method: clinical testing. Allele origin: germline. Affected: yes. Observed: 2 variant alleles.
Comment: CHD3: PM2, PP2, PP3

NM_001005273.3(CHD3):c.2348A>T (p.His783Leu)

Gene: CHD3 (chromodomain helicase DNA binding protein 3; plus strand). Cytogenetic location: 17p13.1.
Variant type: single nucleotide variant.
Coding change: c.2348A>T on transcript NM_001005273.3 (MANE Select); coding-DNA position 2348, A replaced by T.
Protein change: p.His783Leu; replaces histidine 783 with leucine.
Molecular consequence: missense variant.
Genome position (GRCh38, 1-based): chr17:7,899,347, A>T. VCF-style: chr17-7899347-A-T. GRCh37 (hg19) VCF-style: chr17-7802665-A-T.
Other names: c.2525A>T, p.His842Leu (NM_001005271.3, NM_001437504.1); c.2513A>T, p.His838Leu (NM_001437507.1, NM_001437508.1, NM_001437509.1); c.2348A>T, p.His783Leu (NM_005852.4); short protein forms H783L, H838L, H842L.
Identifiers: ClinVar variation 5040661 (VCV005040661.1).